The following is an entry in ClinVar:

NM_001852.4(COL9A2):c.-51G>T

Gene: COL9A2 (collagen type IX alpha 2 chain; minus strand). Cytogenetic location: 1p34.2.
Variant type: single nucleotide variant.
Coding change: c.-51G>T on transcript NM_001852.4 (MANE Select); 51 bases upstream of the start codon, G replaced by T.
Molecular consequence: 5 prime UTR variant.
Genome position (GRCh38, 1-based): chr1:40,317,248, C>A on the plus strand (G>T on the coding strand, the complement: COL9A2 is on the minus strand). VCF-style: chr1-40317248-C-A. GRCh37 (hg19) VCF-style: chr1-40782920-C-A.
Identifiers: ClinVar variation 4978806 (VCV004978806.1).

ClinVar aggregate classification (germline): Likely benign (1 of 4 stars; one submission).

Conditions:
COL9A2-related disorder. Also called: COL9A2-related condition.

gnomAD v4.1: 164 of 1,171,294 alleles (0.014%); highest among the groups gnomAD compares: Non-Finnish European, 0.019%; no homozygotes.

Submission:

PreventionGenetics, part of Exact Sciences
Classification: Likely benign for COL9A2-related condition. Last evaluated: 2026-07-07. Review status: criteria provided, single submitter. Criteria: ACMG Guidelines, 2015. Collection method: clinical testing. Allele origin: germline.
Comment: This variant is classified as likely benign based on ACMG/AMP sequence variant interpretation guidelines (Richards et al. 2015 PMID: 25741868, with internal and published modifications).